The following is an entry in ClinVar:

NM_001130438.3(SPTAN1):c.1806+15G>T

Gene: SPTAN1 (spectrin alpha, non-erythrocytic 1; plus strand). Cytogenetic location: 9q34.11.
Variant type: single nucleotide variant.
Coding change: c.1806+15G>T on transcript NM_001130438.3 (MANE Select); 15 bases into the intron after coding-DNA position 1806, G replaced by T.
Molecular consequence: intron variant.
Genome position (GRCh38, 1-based): chr9:128,582,864, G>T. VCF-style: chr9-128582864-G-T. GRCh37 (hg19) VCF-style: chr9-131345143-G-T.
Other names: c.1806+15G>T (NM_001363759.2, NM_003127.4, NM_001363765.2 and 1 more transcripts).
Identifiers: ClinVar variation 365159 (VCV000365159.11), dbSNP rs372203791, ClinGen allele CA5264507.

ClinVar aggregate classification (germline): Likely benign. Review status: criteria provided, multiple submitters, no conflicts (2 of 4 stars). 4 submissions from 4 submitters: Likely benign (4). Last evaluated 2026-02-02.

Conditions:
Early-infantile DEE. Also called: Ohtahara syndrome; Early infantile epileptic encephalopathy with suppression bursts; Early infantile epileptic encephalopathy. Identifiers: Orphanet 1934, MedGen C0393706, MONDO:0800491.

Allele frequency attached by ClinVar (database versions not stated): gnomAD 0.00011; TOPMed 0.00011; ESP Exome Variant Server 0.00015; gnomAD exomes 0.00017; ExAC 0.00020.
gnomAD v4.1: 203 of 1,611,438 alleles (0.013%); highest among the groups gnomAD compares: Non-Finnish European, 0.017%; no homozygotes.

Submissions (4):

Labcorp Genetics (formerly Invitae), Labcorp
Classification: Likely benign for Early-infantile DEE. Last evaluated: 2026-02-02. Review status: criteria provided, single submitter. Criteria: Invitae Variant Classification Sherloc (09022015). Collection method: clinical testing. Allele origin: germline.

Blueprint Genetics
Classification: Likely benign. Last evaluated: 2024-09-11. Review status: criteria provided, single submitter. Criteria: ACMG Guidelines, 2015. Collection method: clinical testing. Allele origin: germline.

Women's Health and Genetics/Laboratory Corporation of America, LabCorp
Classification: Likely benign. Last evaluated: 2024-04-18. Review status: criteria provided, single submitter. Criteria: LabCorp Variant Classification Summary - May 2015. Collection method: clinical testing. Allele origin: germline.

GeneDx
Classification: Likely benign. Last evaluated: 2017-11-02. Review status: criteria provided, single submitter. Criteria: GeneDx Variant Classification (06012015). Collection method: clinical testing. Allele origin: germline. Affected: yes.
Comment: This variant is considered likely benign or benign based on one or more of the following criteria: it is a conservative change, it occurs at a poorly conserved position in the protein, it is predicted to be benign by multiple in silico algorithms, and/or has population frequency not consistent with disease.